The following is an entry in ClinVar:

NM_002609.4(PDGFRB):c.1127+34G>T

Gene: PDGFRB (platelet derived growth factor receptor beta; minus strand). Cytogenetic location: 5q32.
Variant type: single nucleotide variant.
Coding change: c.1127+34G>T on transcript NM_002609.4 (MANE Select); 34 bases into the intron after coding-DNA position 1127, G replaced by T.
Molecular consequence: intron variant.
Genome position (GRCh38, 1-based): chr5:150,132,716, C>A on the plus strand (G>T on the coding strand, the complement: PDGFRB is on the minus strand). VCF-style: chr5-150132716-C-A. GRCh37 (hg19) VCF-style: chr5-149512279-C-A.
Other names: c.935+34G>T (NM_001355016.2); c.644+34G>T (NM_001355017.2).
Identifiers: ClinVar variation 1800909 (VCV001800909.1), dbSNP rs186488390, ClinGen allele CA3508085.

ClinVar aggregate classification (germline): Likely benign (1 of 4 stars; one submission).

Allele frequency attached by ClinVar (database versions not stated): gnomAD exomes 0.00021; gnomAD 0.00048; ExAC 0.00089; 1000 Genomes Project 30x 0.00453; 1000 Genomes Project 0.00519.
gnomAD v4.1: 383 of 1,591,278 alleles (0.024%); highest among the groups gnomAD compares: East Asian, 0.73%; 3 homozygotes.

Submission:

GeneDx
Classification: Likely benign. Last evaluated: 2022-01-16. Review status: criteria provided, single submitter. Criteria: GeneDx Variant Classification Process June 2021. Collection method: clinical testing. Allele origin: germline. Affected: yes.
Comment: See Variant Classification Assertion Criteria.